The following is an entry in ClinVar:

NM_001791.4(CDC42):c.462T>C (p.Tyr154=)

Gene: CDC42 (cell division cycle 42; plus strand). Cytogenetic location: 1p36.12.
Variant type: single nucleotide variant.
Coding change: c.462T>C on transcript NM_001791.4 (MANE Select); coding-DNA position 462, T replaced by C.
Protein change: p.Tyr154=; no amino-acid change (tyrosine 154 retained).
Molecular consequence: synonymous variant.
Genome position (GRCh38, 1-based): chr1:22,086,842, T>C. VCF-style: chr1-22086842-T-C. GRCh37 (hg19) VCF-style: chr1-22413335-T-C.
Other names: p.Tyr154=; c.462T>C, p.Tyr154= (NM_001039802.2, NM_044472.3).
Identifiers: ClinVar variation 790477 (VCV000790477.14), dbSNP rs16826536, ClinGen allele CA675136.

ClinVar aggregate classification (germline): Benign. Review status: criteria provided, multiple submitters, no conflicts (2 of 4 stars). 4 submissions from 4 submitters: Benign (4). Last evaluated 2026-03-31.

Allele frequency attached by ClinVar (database versions not stated): gnomAD 0.01294 and 0.01356; TOPMed 0.01495; ESP Exome Variant Server 0.01538; 1000 Genomes Project 0.01697; 1000 Genomes Project 30x 0.01952; gnomAD exomes 0.00306 and 0.00478; ExAC 0.00530.
gnomAD v4.1: 6,524 of 1,613,946 alleles (0.4%); highest among the groups gnomAD compares: African/African-American, 4.1%; 84 homozygotes.

Submissions (4):

Women's Health and Genetics/Laboratory Corporation of America, LabCorp
Classification: Benign. Last evaluated: 2026-03-31. Review status: criteria provided, single submitter. Criteria: LabCorp Variant Classification Summary - May 2015. Collection method: clinical testing. Allele origin: germline.

Labcorp Genetics (formerly Invitae), Labcorp
Classification: Benign. Last evaluated: 2026-01-28. Review status: criteria provided, single submitter. Criteria: Invitae Variant Classification Sherloc (09022015). Collection method: clinical testing. Allele origin: germline.

Mayo Clinic Laboratories, Mayo Clinic
Classification: Benign. Last evaluated: 2024-03-07. Review status: criteria provided, single submitter. Criteria: ACMG Guidelines, 2015. Collection method: clinical testing. Allele origin: germline. Observed: 23 variant alleles.
Comment: BS1, BS2, BP4, BP7

Breakthrough Genomics
Classification: Benign. Review status: criteria provided, single submitter. Criteria: ACMG Guidelines, 2015. Collection method: not provided. Allele origin: germline. Inheritance: Autosomal dominant inheritance. Affected: yes.